The following is an entry in ClinVar:

NM_012079.6(DGAT1):c.328_329+2del

Gene: DGAT1 (diacylglycerol O-acyltransferase 1; minus strand). Cytogenetic location: 8q24.3.
Variant type: Deletion.
Coding change: c.328_329+2del on transcript NM_012079.6 (MANE Select); coding-DNA position 328 through the canonical splice donor site of the intron after coding-DNA position 329, 4 bases deleted (AAGT; older notation c.328_329+2delAAGT).
Molecular consequence: splice donor variant.
Genome position (GRCh38, 1-based): chr8:144,319,026-144,319,029, ACTT deleted on the plus strand (AAGT on the coding strand, the reverse complement: DGAT1 is on the minus strand). VCF-style (leftmost placement, unchanged base first): chr8-144319025-CACTT-C. GRCh37 (hg19) VCF-style: chr8-145542688-CACTT-C.
Identifiers: ClinVar variation 2857635 (VCV002857635.3), dbSNP rs2488957738, ClinGen allele CA2689072809.

ClinVar aggregate classification (germline): Likely pathogenic (1 of 4 stars; one submission).

Allele frequency attached by ClinVar (database versions not stated): gnomAD exomes below 0.00001.

Submission:

Labcorp Genetics (formerly Invitae), Labcorp
Classification: Likely pathogenic. Last evaluated: 2023-04-19. Review status: criteria provided, single submitter. Criteria: Invitae Variant Classification Sherloc (09022015). Collection method: clinical testing. Allele origin: germline.
Comment: Algorithms developed to predict the effect of sequence changes on RNA splicing suggest that this variant may disrupt the consensus splice site. This variant has not been reported in the literature in individuals affected with DGAT1-related conditions. This variant is not present in population databases (gnomAD no frequency). This variant results in the deletion of part of exon 3 (c.328_329+2del) of the DGAT1 gene. It is expected to disrupt RNA splicing. Variants that disrupt the donor or acceptor splice site typically lead to a loss of protein function (PMID: 16199547), and loss-of-function variants in DGAT1 are known to be pathogenic (PMID: 29604290). In summary, the currently available evidence indicates that the variant is pathogenic, but additional data are needed to prove that conclusively. Therefore, this variant has been classified as Likely Pathogenic.

Literature cited by the submitters: PubMed 16199547; PubMed 29604290.